The following is an entry in ClinVar:

ClinVar aggregate classification (germline): Pathogenic (1 of 4 stars; one submission).

gnomAD v4.1: 1 of 1,614,078 alleles (0.000062%); highest among the groups gnomAD compares: Non-Finnish European, 0.000085%; no homozygotes.

Submission:

Labcorp Genetics (formerly Invitae), Labcorp
Classification: Pathogenic. Last evaluated: 2020-12-15. Review status: criteria provided, single submitter. Criteria: Invitae Variant Classification Sherloc (09022015). Collection method: clinical testing. Allele origin: germline.
Comment: For these reasons, this variant has been classified as Pathogenic. Algorithms developed to predict the effect of sequence changes on RNA splicing suggest that this variant may create or strengthen a splice site, but this prediction has not been confirmed by published transcriptional studies. This variant has not been reported in the literature in individuals with OTOA-related conditions. This variant is not present in population databases (ExAC no frequency). This sequence change creates a premature translational stop signal (p.Gln293*) in the OTOA gene. It is expected to result in an absent or disrupted protein product. Loss-of-function variants in OTOA are known to be pathogenic (PMID: 11972037).

Literature cited by the submitters: PubMed 11972037.

NM_144672.4(OTOA):c.877C>T (p.Gln293Ter)

Gene: OTOA (otoancorin). Cytogenetic location: 16p12.2.
Variant type: single nucleotide variant.
Coding change: c.877C>T on transcript NM_144672.4 (MANE Select); coding-DNA position 877, C replaced by T.
Protein change: p.Gln293Ter; replaces glutamine 293 with a stop codon.
Molecular consequence: nonsense.
Genome position (GRCh38, 1-based): chr16:21,700,924, C>T. VCF-style: chr16-21700924-C-T. GRCh37 (hg19) VCF-style: chr16-21712245-C-T.
Other names: c.640C>T, p.Gln214Ter (NM_001161683.2); short protein forms Q293*, Q214*.
Identifiers: ClinVar variation 1451127 (VCV001451127.6), dbSNP rs2141675686, ClinGen allele CA395059974.